The following is an entry in ClinVar:

NM_001351169.2(NT5C2):c.43A>G (p.Met15Val)

Gene: NT5C2 (5'-nucleotidase, cytosolic II; minus strand). Cytogenetic location: 10q24.33.
Variant type: single nucleotide variant.
Coding change: c.43A>G on transcript NM_001351169.2 (MANE Select); coding-DNA position 43, A replaced by G.
Protein change: p.Met15Val; replaces methionine 15 with valine.
Molecular consequence: missense variant. On other transcripts: 5 prime UTR variant (20).
Genome position (GRCh38, 1-based): chr10:103,174,916, T>C on the plus strand (A>G on the coding strand, the complement: NT5C2 is on the minus strand). VCF-style: chr10-103174916-T-C. GRCh37 (hg19) VCF-style: chr10-104934673-T-C.
Other names: c.-798A>G (NM_001351196.2); c.-592A>G (NM_001351197.2, NM_001351177.2); c.43A>G, p.Met15Val (NM_012229.5, NM_001134373.3, NM_001351170.2 and 3 more transcripts); c.-175A>G (NM_001351175.2); c.-518A>G (NM_001351176.2); c.-616A>G (NM_001351178.2, NM_001351190.2); c.-784A>G (NM_001351179.2, NM_001351182.2); c.-649A>G (NM_001351180.2); and 9 more; short protein forms M15V.
Identifiers: ClinVar variation 3671495 (VCV003671495.2).

ClinVar aggregate classification (germline): Uncertain significance (1 of 4 stars; one submission).

Conditions:
Hereditary spastic paraplegia 45. Also called: Spastic paraplegia 45, autosomal recessive; SPASTIC PARAPLEGIA 45. Identifiers: Orphanet 320396, MedGen C3888209, MONDO:0013165, OMIM 613162.

Submission:

Labcorp Genetics (formerly Invitae), Labcorp
Classification: Uncertain significance for Hereditary spastic paraplegia 45. Last evaluated: 2024-03-02. Review status: criteria provided, single submitter. Criteria: Invitae Variant Classification Sherloc (09022015). Collection method: clinical testing. Allele origin: germline.
Comment: This sequence change replaces methionine, which is neutral and non-polar, with valine, which is neutral and non-polar, at codon 15 of the NT5C2 protein (p.Met15Val). This variant is present in population databases (rs757325798, gnomAD 0.0009%). This variant has not been reported in the literature in individuals affected with NT5C2-related conditions. Algorithms developed to predict the effect of missense changes on protein structure and function output the following: SIFT: "Not Available"; PolyPhen-2: "Benign"; Align-GVGD: "Not Available". The valine amino acid residue is found in multiple mammalian species, which suggests that this missense change does not adversely affect protein function. In summary, the available evidence is currently insufficient to determine the role of this variant in disease. Therefore, it has been classified as a Variant of Uncertain Significance.